The following is an entry in ClinVar:

ClinVar aggregate classification (germline): Uncertain significance. Review status: criteria provided, multiple submitters, no conflicts (2 of 4 stars). 3 submissions from 3 submitters: Uncertain significance (3). Last evaluated 2024-03-06.

Conditions:
Arrhythmogenic right ventricular cardiomyopathy (ARVD). Also called: Arrhythmogenic cardiomyopathy; Cardiomyopathy, ARVC; Arrhythmogenic right ventricular dysplasia; Arrhythmogenic Right Ventricular Cardiomyopathy (ARVC). Identifiers: Orphanet 247, MedGen C0349788, MeSH D019571, MONDO:0016587. Disease mechanism: loss of function. Inheritance: Various modes of inheritance.
Cardiomyopathy (CMYO). Also called: Cardiomyopathies. Identifiers: Orphanet 167848, MedGen C0878544, MONDO:0004994, HP:0001638. Inheritance: Various modes of inheritance.

Allele frequency attached by ClinVar (database versions not stated): gnomAD exomes 0.00001.
gnomAD v4.1: 6 of 1,614,160 alleles (0.00037%); highest among the groups gnomAD compares: Non-Finnish European, 0.00042%; no homozygotes.

Submissions (3):

Color Diagnostics, LLC DBA Color Health
Classification: Uncertain significance for Cardiomyopathy. Last evaluated: 2024-03-06. Review status: criteria provided, single submitter. Criteria: ACMG Guidelines, 2015. Collection method: clinical testing. Allele origin: germline.
Comment: This missense variant replaces histidine with arginine at codon 143 of the PKP2 protein. Computational prediction suggests that this variant may not impact protein structure and function (internally defined REVEL score threshold <= 0.5, PMID: 27666373). To our knowledge, functional studies have not been reported for this variant. This variant has not been reported in individuals affected with PKP2-related disorders in the literature. This variant has been identified in 2/251428 chromosomes in the general population by the Genome Aggregation Database (gnomAD). The available evidence is insufficient to determine the role of this variant in disease conclusively. Therefore, this variant is classified as a Variant of Uncertain Significance.

All of Us Research Program, National Institutes of Health
Classification: Uncertain significance for Arrhythmogenic right ventricular cardiomyopathy. Last evaluated: 2024-01-11. Review status: criteria provided, single submitter. Criteria: ACMG Guidelines, 2015. Collection method: clinical testing. Allele origin: germline. Inheritance: Autosomal dominant inheritance. Observed: 2 variant alleles, 2 heterozygotes.
Comment: This missense variant replaces histidine with arginine at codon 143 of the PKP2 protein. Computational prediction tool suggests that this variant may not impact protein structure and function (internally defined REVEL score threshold <=0.5, PMID: 27666373). Splice site prediction tools suggest that this variant may not impact RNA splicing. To our knowledge, functional studies have not been performed for this variant. This variant has not been reported in individuals affected with cardiovascular disorders in the literature. This variant has been identified in 2/251428 chromosomes in the general population by the Genome Aggregation Database (gnomAD). The available evidence is insufficient to determine the role of this variant in disease conclusively. Therefore, this variant is classified as a Variant of Uncertain Significance.

This study involves interpretation of variants in research participants for the purpose of population health screening. Participant phenotype was not available at the time of variant classification. Additional details can be found in publication PMID: 35346344, PMCID: PMC8962531

GeneDx
Classification: Uncertain significance. Last evaluated: 2019-12-02. Review status: criteria provided, single submitter. Criteria: GeneDx Variant Classification Process June 2021. Collection method: clinical testing. Allele origin: germline. Affected: yes.
Comment: Has not been previously published as pathogenic or benign to our knowledge; Not observed at a significant frequency in large population cohorts (Lek et al., 2016); In silico analysis, which includes protein predictors and evolutionary conservation, supports that this variant does not alter protein structure/function

NM_001005242.3(PKP2):c.428A>G (p.His143Arg)

Gene: PKP2 (plakophilin 2; minus strand). Cytogenetic location: 12p11.21.
Variant type: single nucleotide variant.
Coding change: c.428A>G on transcript NM_001005242.3 (MANE Select); coding-DNA position 428, A replaced by G.
Protein change: p.His143Arg; replaces histidine 143 with arginine.
Molecular consequence: missense variant.
Genome position (GRCh38, 1-based): chr12:32,878,452, T>C on the plus strand (A>G on the coding strand, the complement: PKP2 is on the minus strand). VCF-style: chr12-32878452-T-C. GRCh37 (hg19) VCF-style: chr12-33031386-T-C.
Other names: c.428A>G, p.His143Arg (NM_004572.4); short protein forms H143R.
Identifiers: ClinVar variation 920164 (VCV000920164.8), dbSNP rs1448551311, ClinGen allele CA384365317.